The following is an entry in ClinVar:

ClinVar aggregate classification (germline): Likely benign (1 of 4 stars; one submission).

Allele frequency attached by ClinVar (database versions not stated): ExAC 0.00002.
gnomAD v4.1: 16 of 1,614,052 alleles (0.00099%); highest among the groups gnomAD compares: South Asian, 0.0055%; no homozygotes.

Submission:

CeGaT Center for Human Genetics Tuebingen
Classification: Likely benign. Last evaluated: 2022-12-01. Review status: criteria provided, single submitter. Criteria: CeGaT Center For Human Genetics Tuebingen Variant Classification Criteria Version 2. Collection method: clinical testing. Allele origin: germline. Affected: yes. Observed: 1 variant allele.
Comment: NIN: BP4, BP7

NM_020921.4(NIN):c.66G>A (p.Thr22=)

Genes: NIN (ninein; minus strand), LOC105370489 (uncharacterized LOC105370489; plus strand). Cytogenetic location: 14q22.1.
Variant type: single nucleotide variant.
Coding change: c.66G>A on transcript NM_020921.4 (MANE Select); coding-DNA position 66, G replaced by A.
Protein change: p.Thr22=; no amino-acid change (threonine 22 retained).
Molecular consequence: synonymous variant.
Genome position (GRCh38, 1-based): chr14:50,821,991, C>T on the plus strand (G>A on the coding strand, the complement: NIN is on the minus strand). VCF-style: chr14-50821991-C-T. GRCh37 (hg19) VCF-style: chr14-51288709-C-T.
Other names: c.66G>A, p.Thr22= (NM_016350.5, NM_182944.3, NM_182946.2).
Identifiers: ClinVar variation 2644233 (VCV002644233.24), dbSNP rs749176097, ClinGen allele CA7182595.